The following is an entry in ClinVar:

ClinVar aggregate classification (germline): Likely benign (1 of 4 stars; one submission).

Submission:

CeGaT Center for Human Genetics Tuebingen
Classification: Likely benign. Last evaluated: 2025-12-01. Review status: criteria provided, single submitter. Criteria: CeGaT Center For Human Genetics Tuebingen Variant Classification Criteria Version 2. Collection method: clinical testing. Allele origin: germline. Affected: yes. Observed: 1 variant allele.
Comment: NACA: BP4, BP7

NM_001365896.1(NACA):c.3030A>G (p.Thr1010=)

Gene: NACA (nascent polypeptide associated complex subunit alpha; minus strand). Cytogenetic location: 12q13.3.
Variant type: single nucleotide variant.
Coding change: c.3030A>G on transcript NM_001365896.1 (MANE Select); coding-DNA position 3030, A replaced by G.
Protein change: p.Thr1010=; no amino-acid change (threonine 1010 retained).
Molecular consequence: synonymous variant. On other transcripts: intron variant (6).
Genome position (GRCh38, 1-based): chr12:56,718,500, T>C on the plus strand (A>G on the coding strand, the complement: NACA is on the minus strand). VCF-style: chr12-56718500-T-C. GRCh37 (hg19) VCF-style: chr12-57112284-T-C.
Other names: c.71-3813A>G (NM_001113202.2, NM_001320194.2, NM_001320193.2 and 2 more transcripts); c.1864+1037A>G (NM_001113203.3).
Identifiers: ClinVar variation 4681416 (VCV004681416.5).